The following is an entry in ClinVar:

NM_001267550.2(TTN):c.66568G>C (p.Gly22190Arg)

Genes: TTN (titin; minus strand), TTN-AS1 (TTN antisense RNA 1; plus strand). Cytogenetic location: 2q31.2.
Variant type: single nucleotide variant.
Coding change: c.66568G>C on transcript NM_001267550.2 (MANE Select); coding-DNA position 66568, G replaced by C.
Protein change: p.Gly22190Arg; replaces glycine 22190 with arginine.
Molecular consequence: missense variant.
Genome position (GRCh38, 1-based): chr2:178,581,700, C>G on the plus strand (G>C on the coding strand, the complement: TTN is on the minus strand). VCF-style: chr2-178581700-C-G. GRCh37 (hg19) VCF-style: chr2-179446427-C-G.
Other names: p.G20549R:GGT>CGT; c.61645G>C, p.Gly20549Arg (NM_001256850.1); c.39373G>C, p.Gly13125Arg (NM_003319.4); c.58864G>C, p.Gly19622Arg (NM_133378.4); c.39748G>C, p.Gly13250Arg (NM_133432.3); c.39949G>C, p.Gly13317Arg (NM_133437.4); short protein forms G20549R, G22190R, G19622R, G13125R, G13250R, G13317R.
Identifiers: ClinVar variation 202800 (VCV000202800.15), dbSNP rs757537780, ClinGen allele CA310328.

ClinVar aggregate classification (germline): Uncertain significance. Review status: criteria provided, multiple submitters, no conflicts (2 of 4 stars). 7 submissions from 7 submitters: Uncertain significance (7). Last evaluated 2021-11-04.

Conditions:
Cardiovascular phenotype. Identifiers: MedGen CN230736.
Dilated cardiomyopathy 1G (CMD1G). Identifiers: Orphanet 154, MedGen C1858763, MONDO:0011400, OMIM 604145.
Autosomal recessive limb-girdle muscular dystrophy type 2J (LGMDR10). Also called: MUSCULAR DYSTROPHY, LIMB-GIRDLE, AUTOSOMAL RECESSIVE 10; Limb-girdle muscular dystrophy, type 2J. Identifiers: Orphanet 140922, MedGen C1837342, MONDO:0012127, OMIM 608807.
Myopathy, myofibrillar, 9, with early respiratory failure (MFM9). Also called: EDSTROM MYOPATHY; MYOPATHY, PROXIMAL, WITH EARLY RESPIRATORY MUSCLE INVOLVEMENT; Myopathy, distal, with early respiratory failure, autosomal dominant; Hereditary myopathy with early respiratory failure. Identifiers: Orphanet 178464, Orphanet 34521, MedGen C1863599, MONDO:0011362, OMIM 603689.
Early-onset myopathy with fatal cardiomyopathy (CMYO5). Also called: CONGENITAL MYOPATHY 5 WITH CARDIOMYOPATHY; Salih Myopathy. Identifiers: Orphanet 289377, MedGen C2673677, MONDO:0012714, OMIM 611705. Disease mechanism: loss of function.
Hypertrophic cardiomyopathy 9. Also called: Familial hypertrophic cardiomyopathy 9. Identifiers: MedGen C1861065, MONDO:0013412, OMIM 613765.
Tibial muscular dystrophy (TMD). Also called: UDD MYOPATHY; Tibial muscular dystrophy, tardive; Udd Distal Myopathy – Tibial Muscular Dystrophy. Identifiers: Orphanet 609, MedGen C1838244, MONDO:0010870, OMIM 600334.
Sudden cardiac arrest. Identifiers: MedGen C1720824, MONDO:0100511, MONDO:0007264.

Allele frequency attached by ClinVar (database versions not stated): ExAC below 0.00001; gnomAD exomes 0.00001 and 0.00016; TOPMed 0.00002; gnomAD 0.00003 and 0.00004.
gnomAD v4.1: 227 of 1,611,812 alleles (0.014%); highest among the groups gnomAD compares: Non-Finnish European, 0.019%; 1 homozygote.

Submissions (7):

Fulgent Genetics
Classification: Uncertain significance for Tibial muscular dystrophy; Myopathy, myofibrillar, 9, with early respiratory failure; Dilated cardiomyopathy 1G; Autosomal recessive limb-girdle muscular dystrophy type 2J; Early-onset myopathy with fatal cardiomyopathy; Hypertrophic cardiomyopathy 9. Last evaluated: 2021-11-04. Review status: criteria provided, single submitter. Criteria: ACMG Guidelines, 2015. Collection method: clinical testing. Allele origin: unknown.

Revvity Omics, Revvity
Classification: Uncertain significance. Last evaluated: 2019-11-18. Review status: criteria provided, single submitter. Criteria: ACMG Guidelines, 2015. Collection method: clinical testing. Allele origin: germline.

Ambry Genetics
Classification: Uncertain significance for Cardiovascular phenotype. Last evaluated: 2019-05-29. Review status: criteria provided, single submitter. Criteria: Ambry Variant Classification Scheme 2023. Collection method: clinical testing. Allele origin: germline.
Comment: The p.G13125R variant (also known as c.39373G>C), located in coding exon 143 of the TTN gene, results from a G to C substitution at nucleotide position 39373. The glycine at codon 13125 is replaced by arginine, an amino acid with dissimilar properties. This amino acid position is highly conserved in available vertebrate species. In addition, the in silico prediction for this alteration is inconclusive. Since supporting evidence is limited at this time, the clinical significance of this alteration remains unclear.

Center for Advanced Laboratory Medicine, UC San Diego Health, University of California San Diego
Classification: Uncertain significance for Sudden cardiac arrest. Last evaluated: 2019-03-15. Review status: criteria provided, single submitter. Criteria: ACMG Guidelines, 2015. Collection method: clinical testing. Allele origin: germline. Affected: yes. Observed: 1 variant allele.

Labcorp Genetics (formerly Invitae), Labcorp
Classification: Uncertain significance for Dilated cardiomyopathy 1G; Autosomal recessive limb-girdle muscular dystrophy type 2J. Last evaluated: 2016-05-31. Review status: criteria provided, single submitter. Criteria: Invitae Variant Classification Sherloc (09022015). Collection method: clinical testing. Allele origin: germline.

Eurofins Ntd Llc (ga)
Classification: Uncertain significance. Last evaluated: 2015-06-18. Review status: criteria provided, single submitter. Criteria: EGL Classification Definitions 2015. Collection method: clinical testing. Allele origin: germline. Observed: 2 variant alleles, 2 heterozygotes.

GeneDx
Classification: Uncertain significance. Last evaluated: 2014-05-16. Review status: criteria provided, single submitter. Criteria: GeneDx Variant Classification (06012015). Collection method: clinical testing. Allele origin: germline. Affected: yes.
Comment: Missense variants in the TTN gene are considered 'unclassified' if they are not previously reported in the literature and do not have >1% frequency in the population to be considered a polymorphism. Research indicates that truncating mutations in the TTN gene are expected to account for approximately 25% of familial and 18% of sporadic idiopathic DCM; however, truncating variants in the TTN gene have been reported in approximately 3% of reported control alleles. There has been little investigation into non-truncating variants. (Herman D et al. Truncations of titin causing dilated cardiomyopathy. N Eng J Med 366:619-628, 2012) The variant is found in DCM-CRDM panel(s).